The following is an entry in ClinVar:

ClinVar aggregate classification (germline): Benign. Review status: criteria provided, single submitter (1 of 4 stars). 2 submissions from 2 submitters: Benign (1). 1 of the submissions does not count toward it. Last evaluated 2018-04-10.

Conditions:
ABCA5-related disorder. Also called: ABCA5-related condition.

Allele frequency attached by ClinVar (database versions not stated): gnomAD exomes 0.00013 and 0.00064; gnomAD 0.00014 and 0.00019; TOPMed 0.00024; ExAC 0.00073; 1000 Genomes Project 30x 0.00141; 1000 Genomes Project 0.00160.

Submissions (2):

Labcorp Genetics (formerly Invitae), Labcorp
Classification: Benign. Last evaluated: 2018-04-10. Review status: criteria provided, single submitter. Criteria: Invitae Variant Classification Sherloc (09022015). Collection method: clinical testing. Allele origin: germline.

PreventionGenetics, part of Exact Sciences
Classification: Benign for ABCA5-related condition. Last evaluated: 2019-12-24. Review status: no assertion criteria provided. Collection method: clinical testing. Allele origin: germline. Not counted in ClinVar's aggregate classification.
Comment: This variant is classified as benign based on ACMG/AMP sequence variant interpretation guidelines (Richards et al. 2015 PMID: 25741868, with internal and published modifications).

NM_172232.4(ABCA5):c.961T>C (p.Phe321Leu)

Gene: ABCA5 (ATP binding cassette subfamily A member 5; minus strand). Cytogenetic location: 17q24.3.
Variant type: single nucleotide variant.
Coding change: c.961T>C on transcript NM_172232.4 (MANE Select); coding-DNA position 961, T replaced by C.
Protein change: p.Phe321Leu; replaces phenylalanine 321 with leucine.
Molecular consequence: missense variant.
Genome position (GRCh38, 1-based): chr17:69,302,876, A>G on the plus strand (T>C on the coding strand, the complement: ABCA5 is on the minus strand). VCF-style: chr17-69302876-A-G. GRCh37 (hg19) VCF-style: chr17-67299017-A-G.
Other names: c.961T>C, p.Phe321Leu (NM_018672.5); short protein forms F321L.
Identifiers: ClinVar variation 739511 (VCV000739511.5), dbSNP rs201944918, ClinGen allele CA8737744.